The following is an entry in ClinVar:

ClinVar aggregate classification (germline): Uncertain significance (1 of 4 stars; one submission).

Submission:

CeGaT Center for Human Genetics Tuebingen
Classification: Uncertain significance. Last evaluated: 2025-10-01. Review status: criteria provided, single submitter. Criteria: CeGaT Center For Human Genetics Tuebingen Variant Classification Criteria Version 2. Collection method: clinical testing. Allele origin: germline. Affected: yes. Observed: 1 variant allele.
Comment: TRPC3: PM2, PP2

NM_001130698.2(TRPC3):c.1036G>T (p.Val346Leu)

Gene: TRPC3 (transient receptor potential cation channel subfamily C member 3; minus strand). Cytogenetic location: 4q27.
Variant type: single nucleotide variant.
Coding change: c.1036G>T on transcript NM_001130698.2 (MANE Select); coding-DNA position 1036, G replaced by T.
Protein change: p.Val346Leu; replaces valine 346 with leucine.
Molecular consequence: missense variant.
Genome position (GRCh38, 1-based): chr4:121,925,158, C>A on the plus strand (G>T on the coding strand, the complement: TRPC3 is on the minus strand). VCF-style: chr4-121925158-C-A. GRCh37 (hg19) VCF-style: chr4-122846313-C-A.
Other names: c.1036G>T, p.Val346Leu (NM_001366479.2); c.817G>T, p.Val273Leu (NM_003305.2); short protein forms V273L, V346L.
Identifiers: ClinVar variation 4534906 (VCV004534906.6).